The following is an entry in ClinVar:

NM_001903.5(CTNNA1):c.1400C>T (p.Ala467Val)

Gene: CTNNA1 (catenin alpha 1; plus strand). Cytogenetic location: 5q31.2.
Variant type: single nucleotide variant.
Coding change: c.1400C>T on transcript NM_001903.5 (MANE Select); coding-DNA position 1400, C replaced by T.
Protein change: p.Ala467Val; replaces alanine 467 with valine.
Molecular consequence: missense variant. On other transcripts: 5 prime UTR variant (5).
Genome position (GRCh38, 1-based): chr5:138,917,752, C>T. VCF-style: chr5-138917752-C-T. GRCh37 (hg19) VCF-style: chr5-138253441-C-T.
Other names: c.1400C>T, p.Ala467Val (NM_001290307.3, NM_001323982.2, NM_001323983.1 and 2 more transcripts); c.1091C>T, p.Ala364Val (NM_001290309.3); c.1031C>T, p.Ala344Val (NM_001290310.3); c.290C>T, p.Ala97Val (NM_001290312.1, NM_001323987.1, NM_001323988.1 and 17 more transcripts); c.1307C>T, p.Ala436Val (NM_001323986.2); c.-50C>T (NM_001324006.1, NM_001324007.1, NM_001324008.1 and 2 more transcripts); c.197C>T, p.Ala66Val (NM_001324011.1); c.47C>T, p.Ala16Val (NM_001324012.1, NM_001324013.1); short protein forms A467V, A66V, A364V, A436V, A97V, A16V, A344V.
Identifiers: ClinVar variation 1461907 (VCV001461907.8), dbSNP rs2150233709, ClinGen allele CA361137060.

ClinVar aggregate classification (germline): Uncertain significance. Review status: criteria provided, multiple submitters, no conflicts (2 of 4 stars). 2 submissions from 2 submitters: Uncertain significance (2). Last evaluated 2024-04-10.

Conditions:
Hereditary cancer-predisposing syndrome. Also called: Tumor predisposition; Hereditary neoplastic syndrome; Hereditary Cancer Syndrome; Neoplastic Syndromes, Hereditary. Identifiers: Orphanet 140162, MedGen C0027672, MeSH D009386, MONDO:0015356.

Submissions (2):

Labcorp Genetics (formerly Invitae), Labcorp
Classification: Uncertain significance. Last evaluated: 2024-04-10. Review status: criteria provided, single submitter. Criteria: Invitae Variant Classification Sherloc (09022015). Collection method: clinical testing. Allele origin: germline.
Comment: This sequence change replaces alanine, which is neutral and non-polar, with valine, which is neutral and non-polar, at codon 467 of the CTNNA1 protein (p.Ala467Val). This variant is not present in population databases (gnomAD no frequency). This variant has not been reported in the literature in individuals affected with CTNNA1-related conditions. ClinVar contains an entry for this variant (Variation ID: 1461907). Advanced modeling of protein sequence and biophysical properties (such as structural, functional, and spatial information, amino acid conservation, physicochemical variation, residue mobility, and thermodynamic stability) performed at Invitae indicates that this missense variant is expected to disrupt CTNNA1 protein function with a positive predictive value of 80%. In summary, the available evidence is currently insufficient to determine the role of this variant in disease. Therefore, it has been classified as a Variant of Uncertain Significance.

Ambry Genetics
Classification: Uncertain significance for Hereditary cancer-predisposing syndrome. Last evaluated: 2020-03-30. Review status: criteria provided, single submitter. Criteria: Ambry Variant Classification Scheme 2023. Collection method: clinical testing. Allele origin: germline.
Comment: The p.A467V variant (also known as c.1400C>T), located in coding exon 10 of the CTNNA1 gene, results from a C to T substitution at nucleotide position 1400. The alanine at codon 467 is replaced by valine, an amino acid with similar properties. This amino acid position is highly conserved in available vertebrate species. In addition, this alteration is predicted to be deleterious by in silico analysis. Since supporting evidence is limited at this time, the clinical significance of this alteration remains unclear.